The following is an entry in ClinVar:

NM_006899.5(IDH3B):c.8C>T (p.Ala3Val)

Gene: IDH3B (isocitrate dehydrogenase (NAD(+)) 3 non-catalytic subunit beta; minus strand). Cytogenetic location: 20p13.
Variant type: single nucleotide variant.
Coding change: c.8C>T on transcript NM_006899.5 (MANE Select); coding-DNA position 8, C replaced by T.
Protein change: p.Ala3Val; replaces alanine 3 with valine.
Molecular consequence: missense variant. On other transcripts: non-coding transcript variant (1).
Genome position (GRCh38, 1-based): chr20:2,664,181, G>A on the plus strand (C>T on the coding strand, the complement: IDH3B is on the minus strand). VCF-style: chr20-2664181-G-A. GRCh37 (hg19) VCF-style: chr20-2644827-G-A.
Other names: c.8C>T, p.Ala3Val (NM_001258384.3, NM_001330763.2, NM_174855.4); short protein forms A3V.
Identifiers: ClinVar variation 1953843 (VCV001953843.5), dbSNP rs3178817, ClinGen allele CA310885860.

ClinVar aggregate classification (germline): Uncertain significance (1 of 4 stars; one submission).

Allele frequency attached by ClinVar (database versions not stated): gnomAD exomes below 0.00001; TOPMed 0.00001.
gnomAD v4.1: 2 of 1,613,598 alleles (0.00012%); highest among the groups gnomAD compares: Non-Finnish European, 0.00017%; no homozygotes.

Submission:

Labcorp Genetics (formerly Invitae), Labcorp
Classification: Uncertain significance. Last evaluated: 2022-03-13. Review status: criteria provided, single submitter. Criteria: Invitae Variant Classification Sherloc (09022015). Collection method: clinical testing. Allele origin: germline.
Comment: In summary, the available evidence is currently insufficient to determine the role of this variant in disease. Therefore, it has been classified as a Variant of Uncertain Significance. Algorithms developed to predict the effect of missense changes on protein structure and function are either unavailable or do not agree on the potential impact of this missense change (SIFT: "Not Available"; PolyPhen-2: "Benign"; Align-GVGD: "Not Available"). This variant has not been reported in the literature in individuals affected with IDH3B-related conditions. This variant is not present in population databases (gnomAD no frequency). This sequence change replaces alanine, which is neutral and non-polar, with valine, which is neutral and non-polar, at codon 3 of the IDH3B protein (p.Ala3Val).